The following is an entry in ClinVar:

NM_000181.4(GUSB):c.161del (p.Asn54fs)

Gene: GUSB (glucuronidase beta; minus strand). Cytogenetic location: 7q11.21.
Variant type: Deletion.
Coding change: c.161del on transcript NM_000181.4 (MANE Select); coding-DNA position 161, one base deleted (A; older notation c.161delA).
Protein change: p.Asn54fs; shifts the reading frame from asparagine 54.
Molecular consequence: frameshift variant. On other transcripts: 5 prime UTR variant (2), non-coding transcript variant (1).
Genome position (GRCh38, 1-based): chr7:65,982,023, T deleted on the plus strand (A on the coding strand, the reverse complement: GUSB is on the minus strand); the first of 2 consecutive T bases (chr7:65,982,023-65,982,024); deleting either gives the same sequence. VCF-style (leftmost placement, unchanged base first): chr7-65982022-GT-G. GRCh37 (hg19) VCF-style: chr7-65447009-GT-G.
Other names: c.161del, p.Asn54fs (NM_001284290.2); c.-225del (NM_001293104.2); c.-169del (NM_001293105.2); short protein forms N54fs.
Identifiers: ClinVar variation 4722396 (VCV004722396.1).

ClinVar aggregate classification (germline): Pathogenic (1 of 4 stars; one submission).

Conditions:
Mucopolysaccharidosis type 7 (MPS7). Also called: BETA-GLUCURONIDASE DEFICIENCY; GUSB DEFICIENCY; SLY SYNDROME; MPS VII. Identifiers: Orphanet 584, MedGen C0085132, MONDO:0009662, OMIM 253220.

Submission:

Labcorp Genetics (formerly Invitae), Labcorp
Classification: Pathogenic for Mucopolysaccharidosis type 7. Last evaluated: 2025-06-30. Review status: criteria provided, single submitter. Criteria: Invitae Variant Classification Sherloc (09022015). Collection method: clinical testing. Allele origin: germline.
Comment: This sequence change creates a premature translational stop signal (p.Asn54Thrfs*52) in the GUSB gene. It is expected to result in an absent or disrupted protein product. Loss-of-function variants in GUSB are known to be pathogenic (PMID: 19224584). This variant is not present in population databases (gnomAD no frequency). This variant has not been reported in the literature in individuals affected with GUSB-related conditions. For these reasons, this variant has been classified as Pathogenic.

Literature cited by the submitters: PubMed 19224584.